The following is an entry in ClinVar:

NM_001267550.2(TTN):c.53915G>A (p.Arg17972Gln)

Genes: TTN (titin; minus strand), TTN-AS1 (TTN antisense RNA 1; plus strand). Cytogenetic location: 2q31.2.
Variant type: single nucleotide variant.
Coding change: c.53915G>A on transcript NM_001267550.2 (MANE Select); coding-DNA position 53915, G replaced by A.
Protein change: p.Arg17972Gln; replaces arginine 17972 with glutamine.
Molecular consequence: missense variant. On other transcripts: non-coding transcript variant (1).
Genome position (GRCh38, 1-based): chr2:178,605,262, C>T on the plus strand (G>A on the coding strand, the complement: TTN is on the minus strand). VCF-style: chr2-178605262-C-T. GRCh37 (hg19) VCF-style: chr2-179469989-C-T.
Other names: c.46211G>A, p.Arg15404Gln (NM_133378.4); c.48992G>A, p.Arg16331Gln (NM_001256850.1); c.26720G>A, p.Arg8907Gln (NM_003319.4); c.27095G>A, p.Arg9032Gln (NM_133432.3); c.27296G>A, p.Arg9099Gln (NM_133437.4); short protein forms R17972Q, R15404Q, R9032Q, R8907Q, R16331Q, R9099Q.
Identifiers: ClinVar variation 47077 (VCV000047077.13), dbSNP rs377169251, ClinGen allele CA139934.

ClinVar aggregate classification (germline): Uncertain significance. Review status: criteria provided, multiple submitters, no conflicts (2 of 4 stars). 4 submissions from 4 submitters: Uncertain significance (4). Last evaluated 2019-11-14.

Conditions:
Cardiovascular phenotype. Identifiers: MedGen CN230736.

Allele frequency attached by ClinVar (database versions not stated): gnomAD 0.00001; gnomAD exomes 0.00001; TOPMed 0.00002; ExAC 0.00003; ESP Exome Variant Server 0.00008.
gnomAD v4.1: 17 of 1,600,274 alleles (0.0011%); highest among the groups gnomAD compares: East Asian, 0.0045%; no homozygotes.

Submissions (4):

GeneDx
Classification: Uncertain significance. Last evaluated: 2019-11-14. Review status: criteria provided, single submitter. Criteria: GeneDx Variant Classification Process June 2021. Collection method: clinical testing. Allele origin: germline. Affected: yes.
Comment: Not observed at a significant frequency in large population cohorts (Lek et al., 2016); Missense variant in a gene in which most reported pathogenic variants are truncating/loss-of-function; Has not been previously published as pathogenic or benign to our knowledge

Eurofins Ntd Llc (ga)
Classification: Uncertain significance. Last evaluated: 2018-09-14. Review status: criteria provided, single submitter. Criteria: EGL ClinVar v180209 classification definitions. Collection method: clinical testing. Allele origin: germline. Observed: 1 variant allele, 1 heterozygote.

Ambry Genetics
Classification: Uncertain significance for Cardiovascular phenotype. Last evaluated: 2013-05-29. Review status: criteria provided, single submitter. Criteria: Ambry Autosomal Dominant and X-Linked criteria (10/2015). Collection method: clinical testing. Allele origin: germline. Observed: 1 variant allele.
Comment: There is insufficient or conflicting evidence for classification of this alteration.

Laboratory for Molecular Medicine, Mass General Brigham Personalized Medicine
Classification: Uncertain significance. Last evaluated: 2013-01-23. Review status: criteria provided, single submitter. Criteria: LMM Criteria. Collection method: clinical testing. Allele origin: germline. Observed: 1 variant allele.
Comment: The Arg15404Gln variant in TTN has not been reported in the literature nor previ ously identified by our laboratory. This variant has been identified in 1/3770 A frican American chromosomes from a broad population by the NHLBI Exome Sequencin g Project. Computational analyses (biochemica l amino acid properties, conservation, AlignGVGD, PolyPhen2, and SIFT) do not pr ovide strong support for or against an impact to the protein. Additional informa tion is needed to fully assess the clinical significance of this variant.